The following is an entry in ClinVar:

ClinVar aggregate classification (germline): Uncertain significance (1 of 4 stars; one submission).

Conditions:
UGT1A1-related disorder. Also called: UGT1A1-related disorders; UGT1A1-related condition.

Submission:

PreventionGenetics, part of Exact Sciences
Classification: Uncertain significance for UGT1A1-related condition. Last evaluated: 2025-11-15. Review status: criteria provided, single submitter. Criteria: ACMG Guidelines, 2015. Collection method: clinical testing. Allele origin: germline.
Comment: The UGT1A1 c.100C>G variant is predicted to result in the amino acid substitution p.Pro34Ala. To our knowledge, this variant has not been reported in the literature or in a large population database (gnomAD), indicating this variant is rare. At this time, the clinical significance of this variant is uncertain due to the absence of conclusive functional and genetic evidence.

NM_000463.3(UGT1A1):c.100C>G (p.Pro34Ala)

Genes: UGT1A (UDP glucuronosyltransferase family 1 member A complex locus; plus strand), UGT1A1 (UDP glucuronosyltransferase family 1 member A1; plus strand), UGT1A10 (UDP glucuronosyltransferase family 1 member A10; plus strand), UGT1A3 (UDP glucuronosyltransferase family 1 member A3; plus strand), UGT1A4 (UDP glucuronosyltransferase family 1 member A4; plus strand) and 5 more. Cytogenetic location: 2q37.1.
Variant type: single nucleotide variant.
Coding change: c.100C>G on transcript NM_000463.3 (MANE Select); coding-DNA position 100, C replaced by G.
Protein change: p.Pro34Ala; replaces proline 34 with alanine.
Molecular consequence: missense variant. On other transcripts: intron variant (9).
Genome position (GRCh38, 1-based): chr2:233,760,387, C>G. VCF-style: chr2-233760387-C-G. GRCh37 (hg19) VCF-style: chr2-234669033-C-G.
Other names: c.856-6647C>G (NM_019076.5, NM_019075.4, NM_021027.3 and 1 more transcripts); c.61-6647C>G (NM_205862.3); c.862-6647C>G (NM_001072.4); c.868-6647C>G (NM_019078.2, NM_007120.3, NM_019093.4); short protein forms P34A.
Identifiers: ClinVar variation 5002114 (VCV005002114.1).